The following is an entry in ClinVar:

ClinVar aggregate classification (germline): Benign/Likely benign. Review status: criteria provided, multiple submitters, no conflicts (2 of 4 stars). 4 submissions from 4 submitters: Benign (2); Likely benign (1). 1 of the submissions does not count toward it. Last evaluated 2026-08-01.

Allele frequency attached by ClinVar (database versions not stated): gnomAD exomes 0.00103; ExAC 0.00236; gnomAD 0.00323 and 0.00346; TOPMed 0.00374; ESP Exome Variant Server 0.00438; 1000 Genomes Project 0.00479; 1000 Genomes Project 30x 0.00500.
gnomAD v4.1: 1,223 of 1,604,516 alleles (0.076%); highest among the groups gnomAD compares: African/African-American, 1.2%; 4 homozygotes.

Submissions (4):

CeGaT Center for Human Genetics Tuebingen
Classification: Likely benign. Last evaluated: 2026-08-01. Review status: criteria provided, single submitter. Criteria: CeGaT Center For Human Genetics Tuebingen Variant Classification Criteria Version 2. Collection method: clinical testing. Allele origin: germline. Affected: yes. Observed: 8 variant alleles.
Comment: CIC: BP4, BS1

Labcorp Genetics (formerly Invitae), Labcorp
Classification: Benign. Last evaluated: 2019-12-31. Review status: criteria provided, single submitter. Criteria: Invitae Variant Classification Sherloc (09022015). Collection method: clinical testing. Allele origin: germline.

Breakthrough Genomics
Classification: Benign. Review status: criteria provided, single submitter. Criteria: ACMG Guidelines, 2015. Collection method: not provided. Allele origin: germline. Inheritance: Autosomal dominant inheritance. Affected: yes.

ITMI
No classification provided. Condition: AllHighlyPenetrant. Last evaluated: 2013-09-19. Review status: no classification provided. Collection method: reference population. Allele origin: germline. Not counted in ClinVar's aggregate classification.
Comment: Please see associated publication for description of ethnicities

Literature cited by the submitters: PubMed 24728327 (cited by ITMI).

NM_001386298.1(CIC):c.4102G>A (p.Gly1368Ser)

Gene: CIC (capicua transcriptional repressor; plus strand). Cytogenetic location: 19q13.2.
Variant type: single nucleotide variant.
Coding change: c.4102G>A on transcript NM_001386298.1 (MANE Select); coding-DNA position 4102, G replaced by A.
Protein change: p.Gly1368Ser; replaces glycine 1368 with serine.
Molecular consequence: missense variant.
Genome position (GRCh38, 1-based): chr19:42,289,862, G>A. VCF-style: chr19-42289862-G-A. GRCh37 (hg19) VCF-style: chr19-42794014-G-A.
Other names: c.4102G>A, p.Gly1368Ser (NM_001304815.2, NM_001379480.1, NM_001379482.1); c.1375G>A, p.Gly459Ser (NM_001379484.1, NM_001379485.1, NM_015125.5); short protein forms G459S, G1368S.
Identifiers: ClinVar variation 133922 (VCV000133922.34), dbSNP rs141764284, ClinGen allele CA158162.